The following is an entry in ClinVar:

ClinVar aggregate classification (germline): Uncertain significance. Review status: criteria provided, multiple submitters, no conflicts (2 of 4 stars). 2 submissions from 2 submitters: Uncertain significance (2). Last evaluated 2024-06-24.

Allele frequency attached by ClinVar (database versions not stated): ExAC 0.00005; gnomAD 0.00006; TOPMed 0.00007; gnomAD exomes 0.00008.
gnomAD v4.1: 106 of 1,612,126 alleles (0.0066%); highest among the groups gnomAD compares: Admixed American, 0.0083%; no homozygotes.

Submissions (2):

Blueprint Genetics
Classification: Uncertain significance. Last evaluated: 2024-06-24. Review status: criteria provided, single submitter. Criteria: ACMG Guidelines, 2015. Collection method: clinical testing. Allele origin: germline.

Labcorp Genetics (formerly Invitae), Labcorp
Classification: Uncertain significance. Last evaluated: 2023-11-27. Review status: criteria provided, single submitter. Criteria: Invitae Variant Classification Sherloc (09022015). Collection method: clinical testing. Allele origin: germline.
Comment: This sequence change replaces glutamic acid, which is acidic and polar, with aspartic acid, which is acidic and polar, at codon 641 of the RBP3 protein (p.Glu641Asp). This variant is present in population databases (rs782245115, gnomAD 0.01%). This variant has not been reported in the literature in individuals affected with RBP3-related conditions. ClinVar contains an entry for this variant (Variation ID: 968984). An algorithm developed to predict the effect of missense changes on protein structure and function (PolyPhen-2) suggests that this variant¬†is likely to be tolerated. In summary, the available evidence is currently insufficient to determine the role of this variant in disease. Therefore, it has been classified as a Variant of Uncertain Significance.

NM_002900.3(RBP3):c.1923G>T (p.Glu641Asp)

Gene: RBP3 (retinol binding protein 3; plus strand). Cytogenetic location: 10q11.22.
Variant type: single nucleotide variant.
Coding change: c.1923G>T on transcript NM_002900.3 (MANE Select); coding-DNA position 1923, G replaced by T.
Protein change: p.Glu641Asp; replaces glutamic acid 641 with aspartic acid.
Molecular consequence: missense variant.
Genome position (GRCh38, 1-based): chr10:47,350,407, G>T. VCF-style: chr10-47350407-G-T. GRCh37 (hg19) VCF-style: chr10-48388955-C-A.
Other names: short protein forms E641D.
Identifiers: ClinVar variation 968984 (VCV000968984.7), dbSNP rs782245115, ClinGen allele CA5487401.